The following is an entry in ClinVar:

NM_000138.5(FBN1):c.3370T>C (p.Cys1124Arg)

Gene: FBN1 (fibrillin 1; minus strand). Cytogenetic location: 15q21.1.
Variant type: single nucleotide variant.
Coding change: c.3370T>C on transcript NM_000138.5 (MANE Select); coding-DNA position 3370, T replaced by C.
Protein change: p.Cys1124Arg; replaces cysteine 1124 with arginine.
Molecular consequence: missense variant.
Genome position (GRCh38, 1-based): chr15:48,487,405, A>G on the plus strand (T>C on the coding strand, the complement: FBN1 is on the minus strand). VCF-style: chr15-48487405-A-G. GRCh37 (hg19) VCF-style: chr15-48779602-A-G.
Other names: c.3370T>C (NM_000138.4); short protein forms C1124R.
Identifiers: ClinVar variation 1683743 (VCV001683743.4), dbSNP rs2141293730, ClinGen allele CA392326638.

ClinVar aggregate classification (germline): Conflicting classifications of pathogenicity. Review status: criteria provided, conflicting classifications (1 of 4 stars). 3 submissions from 3 submitters: Pathogenic (1); Likely pathogenic (1); Uncertain significance (1). Last evaluated 2024-11-29.

Conditions:
Familial thoracic aortic aneurysm and aortic dissection (TAAD). Also called: Thoracic aortic aneurysms and dissections. Identifiers: Orphanet 91387, MedGen C4707243, MONDO:0019625.
Marfan syndrome (MFS). Also called: Marfan syndrome, classic; MARFAN SYNDROME, TYPE I; Marfan syndrome type 1; Marfan's syndrome; FBN1-Related Marfan Syndrome. Identifiers: Orphanet 284963, Orphanet 558, MedGen C0024796, MONDO:0007947, OMIM 154700.

Submissions (3):

Ambry Genetics
Classification: Likely pathogenic for Familial thoracic aortic aneurysm and aortic dissection. Last evaluated: 2024-11-29. Review status: criteria provided, single submitter. Criteria: Ambry Variant Classification Scheme 2023. Collection method: clinical testing. Allele origin: germline.
Comment: The p.C1124R variant (also known as c.3370T>C), located in coding exon 27 of the FBN1 gene, results from a T to C substitution at nucleotide position 3370. The cysteine at codon 1124 is replaced by arginine, an amino acid with highly dissimilar properties. The majority of FBN1 mutations identified to date have involved the substitution or generation of cysteine residues within cbEGF domains (Vollbrandt T et al. J Biol Chem. 2004;279(31):32924-32931). Internal structural analysis indicates this alteration eliminates a disulfide bond critical for the structural integrity of the cbEGF13 domain (Ambry internal data). This amino acid position is highly conserved in available vertebrate species. In addition, this alteration is predicted to be deleterious by in silico analysis. This variant is considered to be rare based on population cohorts in the Genome Aggregation Database (gnomAD). Based on the majority of available evidence to date, this variant is likely to be pathogenic.

GeneDx
Classification: Pathogenic. Last evaluated: 2024-05-01. Review status: criteria provided, single submitter. Criteria: GeneDx Variant Classification Process June 2021. Collection method: clinical testing. Allele origin: germline. Affected: yes.
Comment: Has not been previously published as pathogenic or benign to our knowledge; Not observed at significant frequency in large population cohorts (gnomAD); Affects a cysteine residue within a calcium-binding EGF-like domain of the FBN1 gene, which may affect disulfide bonding and is predicted to alter the structure and function of the protein; cysteine substitutions in the calcium-binding EGF-like domains represent the majority of pathogenic missense changes associated with FBN1-related disorders (PMID: 12938084); In silico analysis supports that this missense variant has a deleterious effect on protein structure/function; This variant is associated with the following publications: (PMID: 12938084)

Laboratorio de Genetica e Diagnostico Molecular, Hospital Israelita Albert Einstein
Classification: Uncertain significance for Marfan syndrome. Last evaluated: 2021-06-08. Review status: criteria provided, single submitter. Criteria: ACMG Guidelines, 2015. Collection method: clinical testing. Allele origin: germline. Affected: yes.
Comment: ACMG classification criteria: PM2, PP3